The following is an entry in ClinVar:

ClinVar aggregate classification (germline): Uncertain significance (1 of 4 stars; one submission).

Conditions:
Neurodevelopmental disorder with hypotonia and variable intellectual and behavioral abnormalities. Identifiers: MedGen C5231423, MONDO:0032829, OMIM 618603.

Allele frequency attached by ClinVar (database versions not stated): gnomAD exomes 0.00001; TOPMed 0.00001.

Submission:

Breda Genetics srl
Classification: Uncertain significance for Neurodevelopmental disorder with hypotonia and variable intellectual and behavioral abnormalities. Last evaluated: 2020-09-11. Review status: criteria provided, single submitter. Criteria: ACMG Guidelines, 2015. Collection method: clinical testing. Allele origin: germline. Inheritance: Autosomal dominant inheritance. Affected: yes. Observed: 1 variant allele, 1 heterozygote.
Comment: The variant c.3773G>A (p.Arg1258His) in the POLR2A gene has not been reported in gnomAD, 1000 Genomes, NHLI Exome Sequencing Project (ESP) or ClinVar. The nucleotide position is conserved across 35 mammalian species (GERP RS: 5.11). In silico analysis indicates that the variant might be damaging. Haijes et al. (2019) reported a probably pathogenic missense variant c.3752A>G (p. Asn1251Ser) that falls 7 amino acid before the c.3773G>A (p.Arg1258His) variant. Although functional studies failed to prove a deleterious functional effect of the variant, the authors themselves classified the c.3752A>G (p.Asn1251Ser) as probably pathogenic, due to the high conservation of the amino acid residue and the importance of the region where the variant falls for interaction with transcription elongation factors TFIIS (PMID: 31353023). Based on ACMG variant interpretation guidelines, we classify this variant as uncertain. However, we cannot exclude that it is a rare benign variant.

Literature cited by the submitters: PubMed 31353023.

NM_000937.5(POLR2A):c.3773G>A (p.Arg1258His)

Gene: POLR2A (RNA polymerase II subunit A; plus strand). Cytogenetic location: 17p13.1.
Variant type: single nucleotide variant.
Coding change: c.3773G>A on transcript NM_000937.5 (MANE Select); coding-DNA position 3773, G replaced by A.
Protein change: p.Arg1258His; replaces arginine 1258 with histidine.
Molecular consequence: missense variant.
Genome position (GRCh38, 1-based): chr17:7,509,592, G>A. VCF-style: chr17-7509592-G-A. GRCh37 (hg19) VCF-style: chr17-7412911-G-A.
Other names: short protein forms R1258H.
Identifiers: ClinVar variation 1027643 (VCV001027643.3), dbSNP rs1480636825, ClinGen allele CA397814838.